The following is an entry in ClinVar:

NM_015836.4(WARS2):c.884C>T (p.Ala295Val)

Gene: WARS2 (tryptophanyl tRNA synthetase 2, mitochondrial; minus strand). Cytogenetic location: 1p12.
Variant type: single nucleotide variant.
Coding change: c.884C>T on transcript NM_015836.4 (MANE Select); coding-DNA position 884, C replaced by T.
Protein change: p.Ala295Val; replaces alanine 295 with valine.
Molecular consequence: missense variant. On other transcripts: 3 prime UTR variant (2).
Genome position (GRCh38, 1-based): chr1:119,033,110, G>A on the plus strand (C>T on the coding strand, the complement: WARS2 is on the minus strand). VCF-style: chr1-119033110-G-A. GRCh37 (hg19) VCF-style: chr1-119575733-G-A.
Other names: c.815C>T, p.Ala272Val (NM_001378226.1, NM_001378227.1); c.713C>T, p.Ala238Val (NM_001378228.1); c.626C>T, p.Ala209Val (NM_001378229.1); c.602C>T, p.Ala201Val (NM_001378230.1); c.*219C>T (NM_001378231.1); c.*250C>T (NM_201263.2); c.884C>T (NM_015836.3); short protein forms A201V, A238V, A272V, A295V, A209V.
Identifiers: ClinVar variation 2140135 (VCV002140135.5), dbSNP rs140469836, ClinGen allele CA1035192.

ClinVar aggregate classification (germline): Uncertain significance. Review status: criteria provided, multiple submitters, no conflicts (2 of 4 stars). 2 submissions from 2 submitters: Uncertain significance (2). Last evaluated 2025-07-01.

Conditions:
Inborn genetic diseases. Identifiers: MedGen C0950123, MeSH D030342.

Allele frequency attached by ClinVar (database versions not stated): ExAC 0.00002; TOPMed 0.00005; gnomAD 0.00007; ESP Exome Variant Server 0.00015.
gnomAD v4.1: 24 of 1,614,168 alleles (0.0015%); highest among the groups gnomAD compares: African/African-American, 0.017%; no homozygotes.

Submissions (2):

Ambry Genetics
Classification: Uncertain significance for Inborn genetic diseases. Last evaluated: 2025-07-01. Review status: criteria provided, single submitter. Criteria: Ambry Variant Classification Scheme 2023. Collection method: clinical testing. Allele origin: germline.

Labcorp Genetics (formerly Invitae), Labcorp
Classification: Uncertain significance. Last evaluated: 2024-01-22. Review status: criteria provided, single submitter. Criteria: Invitae Variant Classification Sherloc (09022015). Collection method: clinical testing. Allele origin: germline.
Comment: This sequence change replaces alanine, which is neutral and non-polar, with valine, which is neutral and non-polar, at codon 295 of the WARS2 protein (p.Ala295Val). This variant is present in population databases (rs140469836, gnomAD 0.008%). This variant has not been reported in the literature in individuals affected with WARS2-related conditions. ClinVar contains an entry for this variant (Variation ID: 2140135). Advanced modeling of protein sequence and biophysical properties (such as structural, functional, and spatial information, amino acid conservation, physicochemical variation, residue mobility, and thermodynamic stability) performed at Invitae indicates that this missense variant is not expected to disrupt WARS2 protein function with a negative predictive value of 80%. In summary, the available evidence is currently insufficient to determine the role of this variant in disease. Therefore, it has been classified as a Variant of Uncertain Significance.